The following is an entry in ClinVar:

NM_001101.5(ACTB):c.351G>T (p.Glu117Asp)

Gene: ACTB (actin beta; minus strand). Cytogenetic location: 7p22.1.
Variant type: single nucleotide variant.
Coding change: c.351G>T on transcript NM_001101.5 (MANE Select); coding-DNA position 351, G replaced by T.
Protein change: p.Glu117Asp; replaces glutamic acid 117 with aspartic acid.
Molecular consequence: missense variant.
Genome position (GRCh38, 1-based): chr7:5,529,173, C>A on the plus strand (G>T on the coding strand, the complement: ACTB is on the minus strand). VCF-style: chr7-5529173-C-A. GRCh37 (hg19) VCF-style: chr7-5568804-C-A.
Other names: c.351G>T (LRG_132t1); short protein forms E117D.
Identifiers: ClinVar variation 431099 (VCV000431099.2), dbSNP rs765265404, ClinGen allele CA366704188.

ClinVar aggregate classification (germline): Pathogenic (1 of 4 stars; one submission).

Conditions:
Baraitser-Winter syndrome 1 (BRWS1). Also called: PACHYGYRIA, MENTAL RETARDATION, EPILEPSY, AND CHARACTERISTIC FACIES; MENTAL RETARDATION WITH EPILEPSY AND CHARACTERISTIC FACIES; Cerebrofrontofacial syndrome; BARAITSER-WINTER SYNDROME 1, ATYPICAL. Identifiers: Orphanet 2649, Orphanet 2995, MedGen C1855722, MONDO:0009470, OMIM 243310.

Submission:

Institute of Human Genetics, FAU Erlangen, Friedrich-Alexander-Universität Erlangen-Nürnberg
Classification: Pathogenic for Baraitser-Winter syndrome 1. Last evaluated: 2017-08-01. Review status: criteria provided, single submitter. Criteria: ACMG Guidelines, 2015. Collection method: clinical testing. Allele origin: de novo. Inheritance: Sporadic. Affected: yes. Observed: 1 variant allele, 1 heterozygote.
Comment: At the same position, another missense variant p.(Glu117Lys) was previously reported in a patient with atypical Baraitser-Winter syndrome.